The following is an entry in ClinVar:

ClinVar aggregate classification (germline): Uncertain significance. Review status: criteria provided, multiple submitters, no conflicts (2 of 4 stars). 2 submissions from 2 submitters: Uncertain significance (2). Last evaluated 2025-06-22.

Conditions:
Hereditary cancer-predisposing syndrome. Also called: Hereditary Cancer Syndrome; Tumor predisposition; Hereditary neoplastic syndrome; Neoplastic Syndromes, Hereditary. Identifiers: Orphanet 140162, MedGen C0027672, MeSH D009386, MONDO:0015356.
Bloom syndrome (BLM). Also called: Bloom-Torre-Machacek syndrome. Identifiers: Orphanet 125, MedGen C0005859, MONDO:0008876, OMIM 210900.

Allele frequency attached by ClinVar (database versions not stated): gnomAD exomes below 0.00001; ExAC 0.00001; gnomAD 0.00001; 1000 Genomes Project 30x 0.00016; 1000 Genomes Project 0.00020.
gnomAD v4.1: 2 of 1,613,774 alleles (0.00012%); highest among the groups gnomAD compares: East Asian, 0.0045%; no homozygotes.

Submissions (2):

Labcorp Genetics (formerly Invitae), Labcorp
Classification: Uncertain significance for Bloom syndrome. Last evaluated: 2025-06-22. Review status: criteria provided, single submitter. Criteria: Invitae Variant Classification Sherloc (09022015). Collection method: clinical testing. Allele origin: germline.
Comment: This sequence change replaces aspartic acid, which is acidic and polar, with histidine, which is basic and polar, at codon 219 of the BLM protein (p.Asp219His). This variant is present in population databases (rs190228320, gnomAD 0.006%). This variant has not been reported in the literature in individuals affected with BLM-related conditions. ClinVar contains an entry for this variant (Variation ID: 645311). An algorithm developed to predict the effect of missense changes on protein structure and function outputs the following: PolyPhen-2: "Benign". The histidine amino acid residue is found in multiple mammalian species, which suggests that this missense change does not adversely affect protein function. In summary, the available evidence is currently insufficient to determine the role of this variant in disease. Therefore, it has been classified as a Variant of Uncertain Significance.

Ambry Genetics
Classification: Uncertain significance for Hereditary cancer-predisposing syndrome. Last evaluated: 2023-07-26. Review status: criteria provided, single submitter. Criteria: Ambry Variant Classification Scheme 2023. Collection method: clinical testing. Allele origin: germline.
Comment: The p.D219H variant (also known as c.655G>C), located in coding exon 2 of the BLM gene, results from a G to C substitution at nucleotide position 655. The aspartic acid at codon 219 is replaced by histidine, an amino acid with similar properties. This amino acid position is not well conserved in available vertebrate species. In addition, this alteration is predicted to be tolerated by in silico analysis. Since supporting evidence is limited at this time, the clinical significance of this alteration remains unclear.

NM_000057.4(BLM):c.655G>C (p.Asp219His)

Gene: BLM (BLM RecQ like helicase; plus strand). Cytogenetic location: 15q26.1.
Variant type: single nucleotide variant.
Coding change: c.655G>C on transcript NM_000057.4 (MANE Select); coding-DNA position 655, G replaced by C.
Protein change: p.Asp219His; replaces aspartic acid 219 with histidine.
Molecular consequence: missense variant. On other transcripts: 5 prime UTR variant (1).
Genome position (GRCh38, 1-based): chr15:90,749,923, G>C. VCF-style: chr15-90749923-G-C. GRCh37 (hg19) VCF-style: chr15-91293153-G-C.
Other names: c.655G>C, p.Asp219His (NM_001287246.2, NM_001287247.2); c.-637G>C (NM_001287248.2); short protein forms D219H.
Identifiers: ClinVar variation 645311 (VCV000645311.14), dbSNP rs190228320, ClinGen allele CA7738322.